The following is an entry in ClinVar:

ClinVar aggregate classification (germline): Likely benign (1 of 4 stars; one submission).

Allele frequency attached by ClinVar (database versions not stated): gnomAD exomes 0.00048; gnomAD 0.00330 and 0.00341; TOPMed 0.00369; 1000 Genomes Project 0.00459; 1000 Genomes Project 30x 0.00500.
gnomAD v4.1: 776 of 704,326 alleles (0.11%); highest among the groups gnomAD compares: African/African-American, 1.2%; 3 homozygotes.

Submission:

GeneDx
Classification: Likely benign. Last evaluated: 2018-06-14. Review status: criteria provided, single submitter. Criteria: GeneDx Variant Classification (06012015). Collection method: clinical testing. Allele origin: germline. Affected: yes.
Comment: This variant is considered likely benign or benign based on one or more of the following criteria: it is a conservative change, it occurs at a poorly conserved position in the protein, it is predicted to be benign by multiple in silico algorithms, and/or has population frequency not consistent with disease.

NM_001999.4(FBN2):c.7595-139A>G

Gene: FBN2 (fibrillin 2; minus strand). Cytogenetic location: 5q23.3.
Variant type: single nucleotide variant.
Coding change: c.7595-139A>G on transcript NM_001999.4 (MANE Select); 139 bases into the intron before coding-DNA position 7595, A replaced by G.
Molecular consequence: intron variant.
Genome position (GRCh38, 1-based): chr5:128,274,822, T>C on the plus strand (A>G on the coding strand, the complement: FBN2 is on the minus strand). VCF-style: chr5-128274822-T-C. GRCh37 (hg19) VCF-style: chr5-127610514-T-C.
Identifiers: ClinVar variation 674544 (VCV000674544.1), dbSNP rs73341402, ClinGen allele CA127020598.